The following is an entry in ClinVar:

NM_001621.5(AHR):c.740A>C (p.His247Pro)

Gene: AHR (aryl hydrocarbon receptor; plus strand). Cytogenetic location: 7p21.1.
Variant type: single nucleotide variant.
Coding change: c.740A>C on transcript NM_001621.5 (MANE Select); coding-DNA position 740, A replaced by C.
Protein change: p.His247Pro; replaces histidine 247 with proline.
Molecular consequence: missense variant.
Genome position (GRCh38, 1-based): chr7:17,333,946, A>C. VCF-style: chr7-17333946-A-C. GRCh37 (hg19) VCF-style: chr7-17373570-A-C.
Other names: short protein forms H247P.
Identifiers: ClinVar variation 1496215 (VCV001496215.6), dbSNP rs752519254, ClinGen allele CA366892004.

ClinVar aggregate classification (germline): Uncertain significance (1 of 4 stars; one submission).

Submission:

Labcorp Genetics (formerly Invitae), Labcorp
Classification: Uncertain significance. Last evaluated: 2021-10-25. Review status: criteria provided, single submitter. Criteria: Invitae Variant Classification Sherloc (09022015). Collection method: clinical testing. Allele origin: germline.
Comment: In summary, the available evidence is currently insufficient to determine the role of this variant in disease. Therefore, it has been classified as a Variant of Uncertain Significance. Algorithms developed to predict the effect of missense changes on protein structure and function are either unavailable or do not agree on the potential impact of this missense change (SIFT: "Deleterious"; PolyPhen-2: "Benign"; Align-GVGD: "Class C65"). This variant has not been reported in the literature in individuals affected with AHR-related conditions. This variant is not present in population databases (ExAC no frequency). This sequence change replaces histidine with proline at codon 247 of the AHR protein (p.His247Pro). The histidine residue is highly conserved and there is a moderate physicochemical difference between histidine and proline.